The following is an entry in ClinVar:

NM_198578.4(LRRK2):c.2761G>T (p.Val921Leu)

Gene: LRRK2 (leucine rich repeat kinase 2; plus strand). Cytogenetic location: 12q12.
Variant type: single nucleotide variant.
Coding change: c.2761G>T on transcript NM_198578.4 (MANE Select); coding-DNA position 2761, G replaced by T.
Protein change: p.Val921Leu; replaces valine 921 with leucine.
Molecular consequence: missense variant.
Genome position (GRCh38, 1-based): chr12:40,293,616, G>T. VCF-style: chr12-40293616-G-T. GRCh37 (hg19) VCF-style: chr12-40687418-G-T.
Other names: short protein forms V921L.
Identifiers: ClinVar variation 1795702 (VCV001795702.2), dbSNP rs145926545, ClinGen allele CA384410959.
Genomic context (GRCh38, chr12:40,293,616, plus strand): 5'-TCATTTCTTGTGAAAAAGAAATCTAATTCAATTAGTGTAGGAGAATTTTACCGAGATGCC[G>T]TATTACAGCGTTGCTCACCAAATTTGCAAAGACATTCCAATTCCTTGGTAAGTTAAATTG-3'
Protein context (NP_940980.4, residues 911-931): ISVGEFYRDA[Val921Leu]LQRCSPNLQR

ClinVar aggregate classification (germline): Uncertain significance (1 of 4 stars; one submission).

Conditions:
Inborn genetic diseases. Identifiers: MedGen C0950123, MeSH D030342.

Submission:

Ambry Genetics
Classification: Uncertain significance for Inborn genetic diseases. Last evaluated: 2021-11-17. Review status: criteria provided, single submitter. Criteria: Ambry Variant Classification Scheme 2023. Collection method: clinical testing. Allele origin: germline.
Comment: The p.V921L variant (also known as c.2761G>T), located in coding exon 21 of the LRRK2 gene, results from a G to T substitution at nucleotide position 2761. The valine at codon 921 is replaced by leucine, an amino acid with highly similar properties. This amino acid position is conserved. In addition, this alteration is predicted to be tolerated by in silico analysis. Since supporting evidence is limited at this time, the clinical significance of this alteration remains unclear.